The following is an entry in ClinVar:

NM_000048.4(ASL):c.622C>A (p.Pro208Thr)

Gene: ASL (argininosuccinate lyase; plus strand). Cytogenetic location: 7q11.21.
Variant type: single nucleotide variant.
Coding change: c.622C>A on transcript NM_000048.4 (MANE Select); coding-DNA position 622, C replaced by A.
Protein change: p.Pro208Thr; replaces proline 208 with threonine.
Molecular consequence: missense variant.
Genome position (GRCh38, 1-based): chr7:66,087,353, C>A. VCF-style: chr7-66087353-C-A. GRCh37 (hg19) VCF-style: chr7-65552340-C-A.
Other names: c.622C>A, p.Pro208Thr (NM_001024943.2, NM_001024944.2); c.544C>A, p.Pro182Thr (NM_001024946.2); short protein forms P182T, P208T.
Identifiers: ClinVar variation 4818352 (VCV004818352.2).

ClinVar aggregate classification (germline): Likely pathogenic. Review status: criteria provided, multiple submitters, no conflicts (2 of 4 stars). 2 submissions from 2 submitters: Likely pathogenic (2). Last evaluated 2024-08-13.

Conditions:
Argininosuccinate lyase deficiency. Also called: ARGININOSUCCINIC ACID LYASE DEFICIENCY; ASL DEFICIENCY; Argininosuccinic aciduria. Identifiers: Orphanet 23, MedGen C0268547, MONDO:0008815, OMIM 207900, HP:0025630.

gnomAD v4.1: 2 of 1,606,072 alleles (0.00012%); highest among the groups gnomAD compares: Non-Finnish European, 0.00017%; no homozygotes.

Submissions (2):

Natera, Inc.
Classification: Likely pathogenic for Argininosuccinate lyase deficiency. Last evaluated: 2024-08-13. Review status: criteria provided, single submitter. Criteria: Natera Variant Classification Schema (03/2026). Collection method: clinical testing. Allele origin: germline.
Comment: The c.622C>A variant in ASL is a missense variant predicted to cause substitution of proline to threonine at amino acid 208. This variant is rare in the general population with a frequency below the threshold expected for the associated phenotype(s). This variant has been observed in one or more individuals affected with the associated recessive disease, as either homozygous or compound heterozygous with a second variant (PMID: 32447331). This variant has been identified in one or more affected individuals with a phenotype highly consistent with the associated gene (PMID: 32447331). Computational prediction algorithms indicate this variant is likely to affect gene or protein function. Given the available evidence, this variant is classified as Likely Pathogenic.

Kariminejad - Najmabadi Pathology & Genetics Center
Classification: Likely pathogenic for Argininosuccinate lyase deficiency. Review status: criteria provided, single submitter. Criteria: ACMG Guidelines, 2015. Collection method: clinical testing. Allele origin: germline. Affected: no.

Literature cited by the submitters: PubMed 32447331 (cited by Natera, Inc.).